The following is an entry in ClinVar:

NM_000180.4(GUCY2D):c.1724C>T (p.Pro575Leu)

Gene: GUCY2D (guanylate cyclase 2D, retinal; plus strand). Cytogenetic location: 17p13.1.
Variant type: single nucleotide variant.
Coding change: c.1724C>T on transcript NM_000180.4 (MANE Select); coding-DNA position 1724, C replaced by T.
Protein change: p.Pro575Leu; replaces proline 575 with leucine.
Molecular consequence: missense variant.
Genome position (GRCh38, 1-based): chr17:8,009,561, C>T. VCF-style: chr17-8009561-C-T. GRCh37 (hg19) VCF-style: chr17-7912879-C-T.
Other names: NM_000180.4(GUCY2D):c.1724C>T; p.Pro575Leu; short protein forms P575L.
Identifiers: ClinVar variation 98548 (VCV000098548.26), dbSNP rs28743021, ClinGen allele CA203556.
Genomic context (GRCh38, chr17:8,009,561, plus strand): 5'-TGCAGGGAGACAGGGTTTGGCTGAAGAAATTCCCAGGGGATCAGCACATAGCTATCCGCC[C>T]AGCAACCAAGACGGCCTTCTCCAAGGTGAGACTTGGGCCTGTGATGGGGCCTAGGTGGCC-3'
Protein context (NP_000171.1, residues 565-585): FPGDQHIAIR[Pro575Leu]ATKTAFSKLQ

ClinVar aggregate classification (germline): Benign. Review status: reviewed by expert panel (3 of 4 stars). 8 submissions from 8 submitters: Benign (1). 7 of the submissions do not count toward it. Last evaluated 2025-01-30.

Conditions:
GUCY2D-related recessive retinopathy. Also called: Recessive GUCY2D retinopathy. Identifiers: MedGen CN305603, MONDO:0100453.
Choroidal dystrophy, central areolar, 1. Identifiers: Orphanet 75377, MedGen C4551884, MONDO:0024539, OMIM 215500.
Leber congenital amaurosis 1 (LCA1). Also called: RETINAL BLINDNESS, CONGENITAL; Congenital absence of the rods and cones; Leber's congenital tapetoretinal degeneration; Leber's congenital tapetoretinal dysplasia; AMAUROSIS CONGENITA OF LEBER I. Identifiers: Orphanet 65, MedGen C2931258, MONDO:0008764, OMIM 204000.
Cone-rod dystrophy 6 (CORD6). Also called: Cone dystrophy progressive; RETINAL CONE DYSTROPHY 2. Identifiers: Orphanet 1872, MedGen C1866293, MONDO:0011143, OMIM 601777.
Night blindness, congenital stationary, type1i. Also called: NIGHT BLINDNESS, CONGENITAL STATIONARY, TYPE 1I. Identifiers: MedGen C5231408, MONDO:0032811, OMIM 618555.

Allele frequency attached by ClinVar (database versions not stated): gnomAD 0.01403 and 0.01496; 1000 Genomes Project 0.01737; gnomAD exomes 0.00410 and 0.00157; TOPMed 0.01534; ExAC 0.00492; ESP Exome Variant Server 0.01545; 1000 Genomes Project 30x 0.01811.
gnomAD v4.1: 4,522 of 1,613,414 alleles (0.28%); highest among the groups gnomAD compares: African/African-American, 5%; 114 homozygotes.

Submissions (8):

ClinGen Leber Congenital Amaurosis/early Onset Retinal Dystrophy Variant Curation Expert Panel, ClinGen
Classification: Benign for GUCY2D-related recessive retinopathy. Last evaluated: 2025-01-30. Review status: reviewed by expert panel. Criteria: ClinGen LCAeoRD ACMG Specifications GUCY2D V1.0.0. Collection method: curation. Allele origin: germline. Inheritance: Autosomal recessive inheritance.
Comment: NM_000180.4(GUCY2D):c.1724C>T (p.Pro575Leu) is a missense variant predicted to replace proline with leucine at position p.575. This variant is present in gnomAD v.4.1.0 at a GrpMax allele frequency of 0.04850, with 3,738 alleles / 75,008 total alleles in the African / African American population, which is higher than the ClinGen LCA/eoRD VCEP BA1 threshold of >0.016 (BA1). This variant has been found in the homozygous state in 114 adult individuals in gnomAD v.4.1.0, which is higher than the LCA/eoRD VCEP BS2 threshold of greater than or equal to 6 (BS2). The computational predictor REVEL gives a score of 0.229, which is below the ClinGen LCA/eoRD VCEP threshold of ≤0.290 and predicts a non-damaging effect on RetGC-1 protein function. In addition, the splicing impact predictor SpliceAI gives a delta score of 0.02 for donor gain, which is below the ClinGen LCA/eoRD VCEP recommended threshold of <0.1 and does not predict an impact on splicing (BP4). The variant exhibited ~75% enzymatic activity in a guanylate cyclase assay relative to the wild-type control, which is higher than the ClinGen LCA/eoRD BS3_Supporting threshold of ≥50% activity, indicating that it largely preserves normal protein function (PMID: 24616660, BS3_Supporting). On the other hand, the variant protein shows enhanced sensitivity to calcium as an inhibitor of stimulation by GCAP1 and GCAP2, however, this mechanism is potentially relevant to the dominant rather than the recessive mode of inheritance, so PS3_Supporting is not met. In summary, this variant meets the criteria to be classified as benign for GUCY2D-related recessive retinopathy based on the ACMG/AMP criteria applied, as specified by the ClinGen LCA / eoRD VCEP: BA1, BS2, BS3_Supporting, BP4. (VCEP specifications version 1.0.0; date of approval 01/22/2025).

Labcorp Genetics (formerly Invitae), Labcorp
Classification: Benign for Leber congenital amaurosis 1; Cone-rod dystrophy 6. Last evaluated: 2026-02-02. Review status: criteria provided, single submitter. Criteria: Invitae Variant Classification Sherloc (09022015). Collection method: clinical testing. Allele origin: germline. Not counted in ClinVar's aggregate classification.

Fulgent Genetics
Classification: Likely benign for Leber congenital amaurosis 1; Choroidal dystrophy, central areolar, 1; Cone-rod dystrophy 6; Night blindness, congenital stationary, type1i. Last evaluated: 2021-12-14. Review status: criteria provided, single submitter. Criteria: ACMG Guidelines, 2015. Collection method: clinical testing. Allele origin: unknown. Not counted in ClinVar's aggregate classification.

GeneDx
Classification: Benign. Last evaluated: 2020-11-09. Review status: criteria provided, single submitter. Criteria: GeneDx Variant Classification Process June 2021. Collection method: clinical testing. Allele origin: germline. Affected: yes. Not counted in ClinVar's aggregate classification.
Comment: This variant is associated with the following publications: (PMID: 18332321, 22995991, 20981092, 12365911)

ARUP Laboratories, Molecular Genetics and Genomics, ARUP Laboratories
Classification: Benign. Last evaluated: 2018-12-12. Review status: criteria provided, single submitter. Criteria: ARUP Molecular Germline Variant Investigation Process. Collection method: clinical testing. Allele origin: germline. Not counted in ClinVar's aggregate classification.

Eurofins Ntd Llc (ga)
Classification: Benign. Last evaluated: 2014-05-27. Review status: criteria provided, single submitter. Criteria: EGL Classification Definitions 2015. Collection method: clinical testing. Allele origin: germline. Observed: 1 variant allele, 1 heterozygote. Not counted in ClinVar's aggregate classification.

Breakthrough Genomics
Classification: Benign. Review status: criteria provided, single submitter. Criteria: ACMG Guidelines, 2015. Collection method: not provided. Allele origin: germline. Inheritance: Autosomal recessive inheritance. Affected: yes. Not counted in ClinVar's aggregate classification.

Retina International
No classification provided. Review status: no classification provided. Collection method: not provided. Allele origin: not provided. Not counted in ClinVar's aggregate classification.

Literature cited by the submitters: PubMed 24616660 (cited by ClinGen Leber Congenital Amaurosis/early Onset Retinal Dystrophy Variant Curation Expert Panel, ClinGen).